The following is an entry in ClinVar:

ClinVar aggregate classification (germline): Uncertain significance (1 of 4 stars; one submission).

Conditions:
Inborn genetic diseases. Identifiers: MedGen C0950123, MeSH D030342.

Submission:

Ambry Genetics
Classification: Uncertain significance for Inborn genetic diseases. Last evaluated: 2025-03-19. Review status: criteria provided, single submitter. Criteria: Ambry Variant Classification Scheme 2023. Collection method: clinical testing. Allele origin: germline.
Comment: Unlikely to be causative of CACNA1A-related spinocerebellar ataxia (AD) Based on insufficient or conflicting evidence, the clinical significance of this alteration remains unclear.

NM_001127222.2(CACNA1A):c.6854A>T (p.Gln2285Leu)

Gene: CACNA1A (calcium voltage-gated channel subunit alpha1 A; minus strand). Cytogenetic location: 19p13.13.
Variant type: single nucleotide variant.
Coding change: c.6854A>T on transcript NM_001127222.2 (MANE Select); coding-DNA position 6854, A replaced by T.
Protein change: p.Gln2285Leu; replaces glutamine 2285 with leucine.
Molecular consequence: missense variant. On other transcripts: 3 prime UTR variant (3).
Genome position (GRCh38, 1-based): chr19:13,207,980, T>A on the plus strand (A>T on the coding strand, the complement: CACNA1A is on the minus strand). VCF-style: chr19-13207980-T-A. GRCh37 (hg19) VCF-style: chr19-13318794-T-A.
Other names: c.*66A>T (NM_000068.4, NM_001127221.2, NM_001174080.2); c.6872A>T, p.Gln2291Leu (NM_023035.3); short protein forms Q2291L, Q2285L.
Identifiers: ClinVar variation 3994384 (VCV003994384.1).
Genomic context (GRCh38, chr19:13,207,980, plus strand): 5'-TTACGGATCACAGGGGAATAGGACACGTGTGGCCGGGGGGTGGAGGGGGTCTGGGGGAGC[T>A]GGCGGCGGCCCCGCCGCGGAGTGCTGGTACCAGATGTTGAGGGGGCTGGGCTTCCACTTA-3'
Protein context (NP_001120694.1, residues 2275-2295): GTSTPRRGRR[Gln2285Leu]LPQTPSTPRP